The following is an entry in ClinVar:

ClinVar aggregate classification (germline): Benign. Review status: criteria provided, multiple submitters, no conflicts (2 of 4 stars). 2 submissions from 2 submitters: Benign (2). Last evaluated 2018-06-14.

Allele frequency attached by ClinVar (database versions not stated): gnomAD 0.89604; TOPMed 0.89641; 1000 Genomes Project 30x 0.93957; 1000 Genomes Project 0.94109.
gnomAD v4.1: 136,077 of 152,226 alleles (89%); highest among the groups gnomAD compares: East Asian, 100%; 61,072 homozygotes.

Submissions (2):

GeneDx
Classification: Benign. Last evaluated: 2018-06-14. Review status: criteria provided, single submitter. Criteria: GeneDx Variant Classification (06012015). Collection method: clinical testing. Allele origin: germline. Affected: yes.
Comment: This variant is considered likely benign or benign based on one or more of the following criteria: it is a conservative change, it occurs at a poorly conserved position in the protein, it is predicted to be benign by multiple in silico algorithms, and/or has population frequency not consistent with disease.

Breakthrough Genomics
Classification: Benign. Review status: criteria provided, single submitter. Criteria: ACMG Guidelines, 2015. Collection method: not provided. Allele origin: germline. Inheritance: Autosomal recessive inheritance. Affected: yes.

NM_001244008.2(KIF1A):c.4743+246A>G

Gene: KIF1A (kinesin family member 1A; minus strand). Cytogenetic location: 2q37.3.
Variant type: single nucleotide variant.
Coding change: c.4743+246A>G on transcript NM_001244008.2 (MANE Select); 246 bases into the intron after coding-DNA position 4743, A replaced by G.
Molecular consequence: intron variant.
Genome position (GRCh38, 1-based): chr2:240,721,561, T>C on the plus strand (A>G on the coding strand, the complement: KIF1A is on the minus strand). VCF-style: chr2-240721561-T-C. GRCh37 (hg19) VCF-style: chr2-241660978-T-C.
Other names: c.4440+246A>G (NM_001379653.1, NM_001379650.1, NM_001379641.1 and 2 more transcripts); c.4716+246A>G (NM_001379645.1, NM_001379633.1); c.4566+246A>G (NM_001379635.1, NM_001379646.1); c.4437+246A>G (NM_001379640.1); c.4464+246A>G (NM_001379639.1); c.4467+246A>G (NM_001379649.1, NM_001320705.2); c.4554+246A>G (NM_001379636.1); c.4719+246A>G (NM_001379632.1); and 7 more.
Identifiers: ClinVar variation 682847 (VCV000682847.2), dbSNP rs2060193, ClinGen allele CA11104851.